The following is an entry in ClinVar:

ClinVar aggregate classification (germline): Likely benign (0 of 4 stars; one submission).

Conditions:
WDFY4-related disorder. Also called: WDFY4-related condition.

Allele frequency attached by ClinVar (database versions not stated): 1000 Genomes Project 30x 0.00094; 1000 Genomes Project 0.00100; gnomAD 0.00134; TOPMed 0.00134; ExAC 0.00161; gnomAD exomes 0.00253.
gnomAD v4.1: 3,679 of 1,551,750 alleles (0.24%); highest among the groups gnomAD compares: Non-Finnish European, 0.3%; 4 homozygotes.

Submission:

PreventionGenetics, part of Exact Sciences
Classification: Likely benign for WDFY4-related condition. Last evaluated: 2022-06-06. Review status: no assertion criteria provided. Collection method: clinical testing. Allele origin: germline.
Comment: This variant is classified as likely benign based on ACMG/AMP sequence variant interpretation guidelines (Richards et al. 2015 PMID: 25741868, with internal and published modifications).

NM_001394531.1(WDFY4):c.7675G>A (p.Ala2559Thr)

Gene: WDFY4 (WDFY family member 4; plus strand). Cytogenetic location: 10q11.23.
Variant type: single nucleotide variant.
Coding change: c.7675G>A on transcript NM_001394531.1 (MANE Select); coding-DNA position 7675, G replaced by A.
Protein change: p.Ala2559Thr; replaces alanine 2559 with threonine.
Molecular consequence: missense variant.
Genome position (GRCh38, 1-based): chr10:48,943,375, G>A. VCF-style: chr10-48943375-G-A. GRCh37 (hg19) VCF-style: chr10-50151420-G-A.
Other names: c.7675G>A, p.Ala2559Thr (NM_020945.2); short protein forms A2559T.
Identifiers: ClinVar variation 3049572 (VCV003049572.2), dbSNP rs188073065, ClinGen allele CA5493009.